The following is an entry in ClinVar:

NM_000548.5(TSC2):c.5003T>C (p.Phe1668Ser)

Gene: TSC2 (TSC complex subunit 2; plus strand). Cytogenetic location: 16p13.3.
Variant type: single nucleotide variant.
Coding change: c.5003T>C on transcript NM_000548.5 (MANE Select); coding-DNA position 5003, T replaced by C.
Protein change: p.Phe1668Ser; replaces phenylalanine 1668 with serine.
Molecular consequence: missense variant.
Genome position (GRCh38, 1-based): chr16:2,087,876, T>C. VCF-style: chr16-2087876-T-C. GRCh37 (hg19) VCF-style: chr16-2137877-T-C.
Other names: c.4802T>C, p.Phe1601Ser (NM_001077183.3); c.4934T>C, p.Phe1645Ser (NM_001114382.3); c.4694T>C, p.Phe1565Ser (NM_001318827.2); c.4658T>C, p.Phe1553Ser (NM_001318829.2); c.4271T>C, p.Phe1424Ser (NM_001318831.2); c.4835T>C, p.Phe1612Ser (NM_001318832.2); c.4805T>C, p.Phe1602Ser (NM_001363528.2); c.4871T>C, p.Phe1624Ser (NM_001370404.1); and 1 more; short protein forms F1668S, F1424S, F1601S, F1553S, F1602S, F1612S, F1624S, F1645S.
Identifiers: ClinVar variation 468129 (VCV000468129.15), dbSNP rs1555439678, ClinGen allele CA394311049.

ClinVar aggregate classification (germline): Uncertain significance. Review status: criteria provided, multiple submitters, no conflicts (2 of 4 stars). 3 submissions from 3 submitters: Uncertain significance (3). Last evaluated 2026-07-14.

Conditions:
Hereditary cancer-predisposing syndrome. Also called: Neoplastic Syndromes, Hereditary; Hereditary neoplastic syndrome; Hereditary Cancer Syndrome; Tumor predisposition. Identifiers: Orphanet 140162, MedGen C0027672, MeSH D009386, MONDO:0015356.
Tuberous sclerosis syndrome (TSC). Also called: Tuberous Sclerosis Complex; Tuberous sclerosis. Identifiers: Orphanet 805, MedGen C0041341, MONDO:0001734.
Tuberous sclerosis 2 (TSC2). Identifiers: Orphanet 805, MedGen C1860707, MONDO:0013199, OMIM 613254.

Submissions (3):

Ambry Genetics
Classification: Uncertain significance for Hereditary cancer-predisposing syndrome. Last evaluated: 2026-07-14. Review status: criteria provided, single submitter. Criteria: Ambry Variant Classification Scheme 2023. Collection method: clinical testing. Allele origin: germline.
Comment: The p.F1668S variant (also known as c.5003T>C), located in coding exon 38 of the TSC2 gene, results from a T to C substitution at nucleotide position 5003. The phenylalanine at codon 1668 is replaced by serine, an amino acid with highly dissimilar properties. This amino acid position is highly conserved in available vertebrate species. In addition, this alteration is predicted to be deleterious by in silico analysis. Based on the available evidence, the clinical significance of this variant remains unclear.

All of Us Research Program, National Institutes of Health
Classification: Uncertain significance for Tuberous sclerosis syndrome. Last evaluated: 2023-02-24. Review status: criteria provided, single submitter. Criteria: ACMG Guidelines, 2015. Collection method: clinical testing. Allele origin: germline. Inheritance: Autosomal dominant inheritance. Observed: 1 variant allele, 1 heterozygote.
Comment: This missense variant replaces phenylalanine with serine at codon 1668 of the TSC2 protein. Computational prediction suggests that this variant may have deleterious impact on protein structure and function (internally defined REVEL score threshold >= 0.7, PMID: 27666373). To our knowledge, functional studies have not been reported for this variant. This variant has not been reported in individuals affected with TSC2-related disorders in the literature. This variant has not been identified in the general population by the Genome Aggregation Database (gnomAD). The available evidence is insufficient to determine the role of this variant in disease conclusively. Therefore, this variant is classified as a Variant of Uncertain Significance.

This study involves interpretation of variants in research participants for the purpose of population health screening. Participant phenotype was not available at the time of variant classification. Additional details can be found in publication PMID: 35346344, PMCID: PMC8962531

Labcorp Genetics (formerly Invitae), Labcorp
Classification: Uncertain significance for Tuberous sclerosis 2. Last evaluated: 2022-08-23. Review status: criteria provided, single submitter. Criteria: Invitae Variant Classification Sherloc (09022015). Collection method: clinical testing. Allele origin: germline.
Comment: This variant has not been reported in the literature in individuals affected with TSC2-related conditions. In summary, the available evidence is currently insufficient to determine the role of this variant in disease. Therefore, it has been classified as a Variant of Uncertain Significance. Algorithms developed to predict the effect of missense changes on protein structure and function are either unavailable or do not agree on the potential impact of this missense change (SIFT: "Deleterious"; PolyPhen-2: "Probably Damaging"; Align-GVGD: "Class C0"). ClinVar contains an entry for this variant (Variation ID: 468129). This variant is not present in population databases (gnomAD no frequency). This sequence change replaces phenylalanine, which is neutral and non-polar, with serine, which is neutral and polar, at codon 1668 of the TSC2 protein (p.Phe1668Ser).